The following is an entry in ClinVar:

ClinVar aggregate classification (germline): Likely benign (1 of 4 stars; one submission).

Conditions:
MN1-related disorder. Also called: MN1-related condition.

gnomAD v4.1: 57 of 1,613,868 alleles (0.0035%); highest among the groups gnomAD compares: South Asian, 0.06%; 1 homozygote.

Submission:

PreventionGenetics, part of Exact Sciences
Classification: Likely benign for MN1-related condition. Last evaluated: 2026-09-15. Review status: criteria provided, single submitter. Criteria: ACMG Guidelines, 2015. Collection method: clinical testing. Allele origin: germline.
Comment: This variant is classified as likely benign based on ACMG/AMP sequence variant interpretation guidelines (Richards et al. 2015 PMID: 25741868, with internal and published modifications).

NM_002430.3(MN1):c.134C>G (p.Pro45Arg)

Gene: MN1 (MN1 proto-oncogene, transcriptional regulator; minus strand). Cytogenetic location: 22q12.1.
Variant type: single nucleotide variant.
Coding change: c.134C>G on transcript NM_002430.3 (MANE Select); coding-DNA position 134, C replaced by G.
Protein change: p.Pro45Arg; replaces proline 45 with arginine.
Molecular consequence: missense variant.
Genome position (GRCh38, 1-based): chr22:27,800,410, G>C on the plus strand (C>G on the coding strand, the complement: MN1 is on the minus strand). VCF-style: chr22-27800410-G-C. GRCh37 (hg19) VCF-style: chr22-28196398-G-C.
Other names: short protein forms P45R.
Identifiers: ClinVar variation 4982746 (VCV004982746.1).